The following is an entry in ClinVar:

ClinVar aggregate classification (germline): Uncertain significance (1 of 4 stars; one submission).

Allele frequency attached by ClinVar (database versions not stated): gnomAD exomes below 0.00001; ExAC 0.00001; TOPMed 0.00001.
gnomAD v4.1: 7 of 1,614,118 alleles (0.00043%); highest among the groups gnomAD compares: South Asian, 0.0044%; no homozygotes.

Submission:

Labcorp Genetics (formerly Invitae), Labcorp
Classification: Uncertain significance. Last evaluated: 2022-09-23. Review status: criteria provided, single submitter. Criteria: Invitae Variant Classification Sherloc (09022015). Collection method: clinical testing. Allele origin: germline.
Comment: Advanced modeling of protein sequence and biophysical properties (such as structural, functional, and spatial information, amino acid conservation, physicochemical variation, residue mobility, and thermodynamic stability) performed at Invitae indicates that this missense variant is not expected to disrupt SCNN1B protein function. This sequence change replaces glutamic acid, which is acidic and polar, with lysine, which is basic and polar, at codon 322 of the SCNN1B protein (p.Glu322Lys). This variant is present in population databases (rs199921576, gnomAD 0.003%). This missense change has been observed in individual(s) with early-onset hypertension (PMID: 28915228). In summary, the available evidence is currently insufficient to determine the role of this variant in disease. Therefore, it has been classified as a Variant of Uncertain Significance.

Literature cited by the submitters: PubMed 28915228.

NM_000336.3(SCNN1B):c.964G>A (p.Glu322Lys)

Gene: SCNN1B (sodium channel epithelial 1 subunit beta; plus strand). Cytogenetic location: 16p12.2.
Variant type: single nucleotide variant.
Coding change: c.964G>A on transcript NM_000336.3 (MANE Select); coding-DNA position 964, G replaced by A.
Protein change: p.Glu322Lys; replaces glutamic acid 322 with lysine.
Molecular consequence: missense variant.
Genome position (GRCh38, 1-based): chr16:23,371,382, G>A. VCF-style: chr16-23371382-G-A. GRCh37 (hg19) VCF-style: chr16-23382703-G-A.
Other names: c.964G>A, p.Glu322Lys (NM_001410900.1); short protein forms E322K.
Identifiers: ClinVar variation 2169585 (VCV002169585.4), dbSNP rs199921576, ClinGen allele CA7960313.